The following is an entry in ClinVar:

NM_206933.4(USH2A):c.14750G>A (p.Ser4917Asn)

Gene: USH2A (usherin; minus strand). Cytogenetic location: 1q41.
Variant type: single nucleotide variant.
Coding change: c.14750G>A on transcript NM_206933.4 (MANE Select); coding-DNA position 14750, G replaced by A.
Protein change: p.Ser4917Asn; replaces serine 4917 with asparagine.
Molecular consequence: missense variant.
Genome position (GRCh38, 1-based): chr1:215,647,563, C>T on the plus strand (G>A on the coding strand, the complement: USH2A is on the minus strand). VCF-style: chr1-215647563-C-T. GRCh37 (hg19) VCF-style: chr1-215820905-C-T.
Other names: short protein forms S4917N.
Identifiers: ClinVar variation 855000 (VCV000855000.8), dbSNP rs147530266, ClinGen allele CA1392942.
Genomic context (GRCh38, chr1:215,647,563, plus strand): 5'-AGCAGCCACTTATACTCACATTCTTTTTGGGTGGTGAAACTGATCCACTCGGAAGCCGTA[C>T]TGCCCACCTCGTTGTGTGCCACCACTCTCAGCTTGTATGTGGTGTAGGGCTGGAGACCCC-3'
Protein context (NP_996816.3, residues 4907-4927): LRVVAHNEVG[Ser4917Asn]TASEWISFTT

ClinVar aggregate classification (germline): Uncertain significance (1 of 4 stars; one submission).

Allele frequency attached by ClinVar (database versions not stated): gnomAD 0.00001; TOPMed 0.00001; ESP Exome Variant Server 0.00008.

Submission:

Labcorp Genetics (formerly Invitae), Labcorp
Classification: Uncertain significance. Last evaluated: 2025-12-29. Review status: criteria provided, single submitter. Criteria: Invitae Variant Classification Sherloc (09022015). Collection method: clinical testing. Allele origin: germline.
Comment: This sequence change replaces serine, which is neutral and polar, with asparagine, which is neutral and polar, at codon 4917 of the USH2A protein (p.Ser4917Asn). This variant is present in population databases (rs147530266, gnomAD 0.0009%). This variant has not been reported in the literature in individuals affected with USH2A-related conditions. ClinVar contains an entry for this variant (Variation ID: 855000). Invitae Evidence Modeling of protein sequence and biophysical properties (such as structural, functional, and spatial information, amino acid conservation, physicochemical variation, residue mobility, and thermodynamic stability) has been performed for this missense variant. However, the output from this modeling did not meet the statistical confidence thresholds required to predict the impact of this variant on USH2A protein function. In summary, the available evidence is currently insufficient to determine the role of this variant in disease. Therefore, it has been classified as a Variant of Uncertain Significance.